The following is an entry in ClinVar:

NM_001611.5(ACP5):c.442G>A (p.Val148Met)

Gene: ACP5 (acid phosphatase 5, tartrate resistant; minus strand). Cytogenetic location: 19p13.2.
Variant type: single nucleotide variant.
Coding change: c.442G>A on transcript NM_001611.5 (MANE Select); coding-DNA position 442, G replaced by A.
Protein change: p.Val148Met; replaces valine 148 with methionine.
Molecular consequence: missense variant.
Genome position (GRCh38, 1-based): chr19:11,576,536, C>T on the plus strand (G>A on the coding strand, the complement: ACP5 is on the minus strand). VCF-style: chr19-11576536-C-T. GRCh37 (hg19) VCF-style: chr19-11687351-C-T.
Other names: c.442G>A, p.Val148Met (NM_001111034.3, NM_001111035.3, NM_001111036.3 and 1 more transcripts); short protein forms V148M.
Identifiers: ClinVar variation 257478 (VCV000257478.23), dbSNP rs2305799, ClinGen allele CA9215409.

ClinVar aggregate classification (germline): Benign/Likely benign. Review status: criteria provided, multiple submitters, no conflicts (2 of 4 stars). 10 submissions from 10 submitters: Benign (8); Likely benign (2). Last evaluated 2026-02-04.

Conditions:
Spondyloenchondrodysplasia with immune dysregulation (SPENCDI). Also called: SPONDYLOENCHONDRODYSPLASIA WITH OR WITHOUT IMMUNE DYSREGULATION; ROIFMAN IMMUNOSKELETAL SYNDROME; COMBINED IMMUNODEFICIENCY WITH AUTOIMMUNITY AND SPONDYLOMETAPHYSEAL DYSPLASIA. Identifiers: Orphanet 1855, MedGen C1842763, MONDO:0011939, OMIM 607944.

Allele frequency attached by ClinVar (database versions not stated): 1000 Genomes Project 30x 0.07964; 1000 Genomes Project 0.08127; TOPMed 0.09006; ESP Exome Variant Server 0.09196; gnomAD 0.09611 and 0.09613; ExAC 0.10336; gnomAD exomes 0.10533 and 0.11780.
gnomAD v4.1: 186,873 of 1,613,754 alleles (12%); highest among the groups gnomAD compares: Middle Eastern, 17%; 11,369 homozygotes.

Submissions (10):

Labcorp Genetics (formerly Invitae), Labcorp
Classification: Benign for Spondyloenchondrodysplasia with immune dysregulation. Last evaluated: 2026-02-04. Review status: criteria provided, single submitter. Criteria: Invitae Variant Classification Sherloc (09022015). Collection method: clinical testing. Allele origin: germline.

Women's Health and Genetics/Laboratory Corporation of America, LabCorp
Classification: Likely benign. Last evaluated: 2026-01-21. Review status: criteria provided, single submitter. Criteria: LabCorp Variant Classification Summary - May 2015. Collection method: clinical testing. Allele origin: germline.

Blueprint Genetics
Classification: Likely benign. Last evaluated: 2024-11-28. Review status: criteria provided, single submitter. Criteria: ACMG Guidelines, 2015. Collection method: clinical testing. Allele origin: germline.

Unidad de Genómica Garrahan, Hospital de Pediatría Garrahan
Classification: Benign. Last evaluated: 2024-01-24. Review status: criteria provided, single submitter. Criteria: ACMG Guidelines, 2015. Collection method: clinical testing. Allele origin: germline. Affected: no. Observed: 21 variant alleles.
Comment: This variant is classified as Benign based on local population frequency. This variant was detected in 24% of patients studied by a panel of primary immunodeficiencies. Number of patients: 21. Only high quality variants are reported.

Mayo Clinic Laboratories, Mayo Clinic
Classification: Benign. Last evaluated: 2022-09-06. Review status: criteria provided, single submitter. Criteria: ACMG Guidelines, 2015. Collection method: clinical testing. Allele origin: germline. Observed: 94 variant alleles.

Genome-Nilou Lab
Classification: Benign for Spondyloenchondrodysplasia with immune dysregulation. Last evaluated: 2021-07-14. Review status: criteria provided, single submitter. Criteria: ACMG Guidelines, 2015. Collection method: clinical testing. Allele origin: germline. Affected: no.

GeneDx
Classification: Benign. Last evaluated: 2018-11-10. Review status: criteria provided, single submitter. Criteria: GeneDx Variant Classification Process June 2021. Collection method: clinical testing. Allele origin: germline. Affected: yes.

Laboratory for Molecular Medicine, Mass General Brigham Personalized Medicine
Classification: Benign. Last evaluated: 2016-03-28. Review status: criteria provided, single submitter. Criteria: LMM Criteria. Collection method: clinical testing. Allele origin: germline.
Comment: Variant identified in a genome or exome case(s) and assessed due to predicted null impact of the variant or pathogenic assertions in the literature or databases. Disclaimer: This variant has not undergone full assessment. The following are preliminary notes: Frequency

Breakthrough Genomics
Classification: Benign. Review status: criteria provided, single submitter. Criteria: ACMG Guidelines, 2015. Collection method: not provided. Allele origin: germline. Inheritance: Autosomal recessive inheritance. Affected: yes.

PreventionGenetics, part of Exact Sciences
Classification: Benign. Review status: criteria provided, single submitter. Criteria: ACMG Guidelines, 2015. Collection method: clinical testing. Allele origin: germline.